The following is an entry in ClinVar:

ClinVar aggregate classification (germline): Pathogenic (1 of 4 stars; one submission).

Conditions:
Ullrich congenital muscular dystrophy 1A. Also called: Ullrich congenital muscular dystrophy 1; Intermediate COL6-RD. Identifiers: Orphanet 75840, MedGen C0410179, MONDO:0009681, OMIM 254090.
Bethlem myopathy 1A. Also called: MYOPATHY, BENIGN CONGENITAL, WITH CONTRACTURES; Bethlem myopathy 1; Bethlem Muscular Dystrophy. Identifiers: Orphanet 610, MedGen CN029274, MONDO:0024530, OMIM 158810.

Submission:

Juno Genomics, Hangzhou Juno Genomics, Inc
Classification: Pathogenic for Bethlem myopathy 1A; Ullrich congenital muscular dystrophy 1A. Review status: criteria provided, single submitter. Criteria: ACMG Guidelines, 2015. Collection method: clinical testing. Allele origin: germline. Affected: yes.
Comment: Null variant in a gene where loss of function (LOF) is a known mechanism of disease.;Absent from controls (or at extremely low frequency if recessive) in Genome Aggregation Database, Exome Sequencing Project, 1000 Genomes Project, or Exome Aggregation Consortium.;For recessive disorders, detected in trans with a pathogenic variant.;Patient's phenotype or family history is highly specific for a disease with a single genetic etiology.

NM_001848.3(COL6A1):c.1006del

Gene: COL6A1 (collagen type VI alpha 1 chain; plus strand). Cytogenetic location: 21q22.3.
Variant type: Deletion.
Coding change: c.1006del on transcript NM_001848.3 (MANE Select); coding-DNA position 1006, one base deleted (G; older notation c.1006delG).
Molecular consequence: splice acceptor variant.
Genome position (GRCh38, 1-based): chr21:45,990,776, G deleted; the last of 5 consecutive G bases (chr21:45,990,772-45,990,776); deleting any one gives the same sequence. VCF-style (leftmost placement, unchanged base first): chr21-45990771-AG-A. GRCh37 (hg19) VCF-style: chr21-47410685-AG-A.
Identifiers: ClinVar variation 3383040 (VCV003383040.2).